The following is an entry in ClinVar:

ClinVar aggregate classification (germline): Pathogenic/Likely pathogenic. Review status: criteria provided, multiple submitters, no conflicts (2 of 4 stars). 5 submissions from 5 submitters: Pathogenic (2); Likely pathogenic (3). Last evaluated 2025-09-04.

Conditions:
LZTR1-related schwannomatosis. Also called: Schwannomatosis 2; Schwannomatosis-2, susceptibility to. Identifiers: Orphanet 93921, MedGen C3810283, MONDO:0014299, OMIM 615670.
Noonan syndrome 2 (NS2). Identifiers: Orphanet 648, MedGen C1854469, MONDO:0011531, OMIM 605275.
Noonan syndrome 10 (NS10). Identifiers: Orphanet 648, MedGen C4225280, MONDO:0014693, OMIM 616564.
Noonan syndrome (NS). Also called: Noonan's syndrome. Identifiers: Orphanet 648, MedGen C0028326, MeSH D009634, MONDO:0018997. Disease mechanism: gain of function.
Hereditary cancer-predisposing syndrome. Also called: Hereditary neoplastic syndrome; Neoplastic Syndromes, Hereditary; Tumor predisposition; Hereditary Cancer Syndrome. Identifiers: Orphanet 140162, MedGen C0027672, MeSH D009386, MONDO:0015356.
Cardiovascular phenotype. Identifiers: MedGen CN230736.

Allele frequency attached by ClinVar (database versions not stated): gnomAD exomes below 0.00001; TOPMed below 0.00001; ExAC 0.00001.
gnomAD v4.1: 4 of 1,567,714 alleles (0.00026%); highest among the groups gnomAD compares: South Asian, 0.0011%; no homozygotes.

Submissions (5):

Labcorp Genetics (formerly Invitae), Labcorp
Classification: Likely pathogenic. Last evaluated: 2025-09-04. Review status: criteria provided, single submitter. Criteria: Invitae Variant Classification Sherloc (09022015). Collection method: clinical testing. Allele origin: germline.
Comment: This sequence change affects an acceptor splice site in intron 4 of the LZTR1 gene. It is expected to disrupt RNA splicing. Variants that disrupt the donor or acceptor splice site typically lead to a loss of protein function (PMID: 16199547), and loss-of-function variants in LZTR1 are known to be pathogenic (PMID: 24362817, 25335493, 25480913, 25795793, 29469822, 30368668, 30442762, 30442766, 30481304, 30859559). This variant is present in population databases (rs747225246, gnomAD 0.003%). This variant has not been reported in the literature in individuals affected with LZTR1-related conditions. ClinVar contains an entry for this variant (Variation ID: 1803281). Algorithms developed to predict the effect of sequence changes on RNA splicing suggest that this variant may disrupt the consensus splice site. In summary, the currently available evidence indicates that the variant is pathogenic, but additional data are needed to prove that conclusively. Therefore, this variant has been classified as Likely Pathogenic.

Ambry Genetics
Classification: Likely pathogenic for Cardiovascular phenotype; Hereditary cancer-predisposing syndrome. Last evaluated: 2025-07-17. Review status: criteria provided, single submitter. Criteria: Ambry Variant Classification Scheme 2023. Collection method: clinical testing. Allele origin: germline.
Comment: The c.401-1G>A intronic variant results from a G to A substitution one nucleotide upstream from coding exon 5 of the LZTR1 gene. This nucleotide position is highly conserved in available vertebrate species. In silico splice site analysis predicts that this alteration will weaken the native splice acceptor site and will result in the creation or strengthening of a novel splice acceptor site. Alterations that disrupt the canonical splice site are expected to cause aberrant splicing, resulting in an abnormal protein or a transcript that is subject to nonsense-mediated mRNA decay. Loss-of-function variants in LZTR1 are related to an increased risk for schwannomas and autosomal recessive Noonan syndrome; however, such associations with autosomal dominant Noonan syndrome have not been observed (Piotrowski A et al. Nat Genet. 2014 Feb;46:182-7; Yamamoto GL et al. J Med Genet. 2015 Jun;52:413-21; Johnston JJ et al. Genet Med. 2018 10;20:1175-1185). Based on the supporting evidence, this variant is likely pathogenic for an increased risk of LZTR1-related schwannomatosis (SWN) and would be expected to cause autosomal recessive Noonan syndrome when present along with a second pathogenic or likely pathogenic variant on the other allele; however, the association of this alteration with autosomal dominant Noonan syndrome is unlikely.

Genetics and Molecular Pathology, SA Pathology
Classification: Pathogenic for LZTR1-related schwannomatosis. Last evaluated: 2022-05-25. Review status: criteria provided, single submitter. Criteria: ACMG Guidelines, 2015. Collection method: clinical testing. Allele origin: germline. Inheritance: Autosomal dominant inheritance. Affected: yes.

Juno Genomics, Hangzhou Juno Genomics, Inc
Classification: Likely pathogenic for LZTR1-related schwannomatosis; Noonan syndrome 10; Noonan syndrome 2. Review status: criteria provided, single submitter. Criteria: ACMG Guidelines, 2015. Collection method: clinical testing. Allele origin: germline.
Comment: Null variant in a gene where loss of function (LOF) is a known mechanism of disease.

Rady Children's Institute for Genomic Medicine, Rady Children's Hospital San Diego
Classification: Pathogenic for Noonan syndrome. Review status: criteria provided, single submitter. Criteria: ACMG Guidelines, 2015. Collection method: clinical testing. Allele origin: germline. Affected: yes.
Comment: This variant affects the canonical splice acceptor site of intron 4 and is therefore predicted to interfere with splicing and result in loss of normal protein function through either protein truncation or nonsense-mediated mRNA decay (NMD). It is present in the heterozygous state in the gnomAD population database at a frequency of 0.0004% (1/249658) and thus is presumed to be rare. This variant has not been reported in the literature to our knowledge. Based on the available evidence, this variant is classified as Pathogenic.

Literature cited by the submitters: PubMed 16199547 (cited by Labcorp Genetics (formerly Invitae), Labcorp); PubMed 24362817 (cited by Labcorp Genetics (formerly Invitae), Labcorp); PubMed 25335493 (cited by Labcorp Genetics (formerly Invitae), Labcorp); PubMed 25480913 (cited by Labcorp Genetics (formerly Invitae), Labcorp); PubMed 25795793 (cited by Labcorp Genetics (formerly Invitae), Labcorp); PubMed 29469822 (cited by Labcorp Genetics (formerly Invitae), Labcorp); PubMed 30368668 (cited by Labcorp Genetics (formerly Invitae), Labcorp); PubMed 30442762 (cited by Labcorp Genetics (formerly Invitae), Labcorp); PubMed 30442766 (cited by Labcorp Genetics (formerly Invitae), Labcorp); PubMed 30481304 (cited by Labcorp Genetics (formerly Invitae), Labcorp); PubMed 30859559 (cited by Labcorp Genetics (formerly Invitae), Labcorp).

NM_006767.4(LZTR1):c.401-1G>A

Gene: LZTR1 (leucine zipper like post translational regulator 1; plus strand). Cytogenetic location: 22q11.21.
Variant type: single nucleotide variant.
Coding change: c.401-1G>A on transcript NM_006767.4 (MANE Select); the canonical splice acceptor site of the intron before coding-DNA position 401, G replaced by A.
Molecular consequence: splice acceptor variant.
Genome position (GRCh38, 1-based): chr22:20,988,009, G>A. VCF-style: chr22-20988009-G-A. GRCh37 (hg19) VCF-style: chr22-21342298-G-A.
Other names: c.401-1G>A (NM_006767.3).
Identifiers: ClinVar variation 1803281 (VCV001803281.8), dbSNP rs747225246, ClinGen allele CA10118431.